The following is an entry in ClinVar:

ClinVar aggregate classification (germline): Uncertain significance (1 of 4 stars; one submission).

Conditions:
Intellectual developmental disorder, autosomal dominant 1. Also called: Intellectual disability, autosomal dominant 1; MBD5 Haploinsufficiency. Identifiers: Orphanet 228402, MedGen C1969562, MONDO:0007974, OMIM 156200.

Allele frequency attached by ClinVar (database versions not stated): TOPMed below 0.00001; gnomAD exomes 0.00001 and below 0.00001.
gnomAD v4.1: 7 of 1,614,006 alleles (0.00043%); highest among the groups gnomAD compares: Non-Finnish European, 0.00059%; no homozygotes.

Submission:

Labcorp Genetics (formerly Invitae), Labcorp
Classification: Uncertain significance for Intellectual developmental disorder, autosomal dominant 1. Last evaluated: 2023-08-17. Review status: criteria provided, single submitter. Criteria: Invitae Variant Classification Sherloc (09022015). Collection method: clinical testing. Allele origin: germline.
Comment: ClinVar contains an entry for this variant (Variation ID: 1040419). Advanced modeling of protein sequence and biophysical properties (such as structural, functional, and spatial information, amino acid conservation, physicochemical variation, residue mobility, and thermodynamic stability) performed at Invitae indicates that this missense variant is not expected to disrupt MBD5 protein function. In summary, the available evidence is currently insufficient to determine the role of this variant in disease. Therefore, it has been classified as a Variant of Uncertain Significance. This sequence change replaces methionine, which is neutral and non-polar, with isoleucine, which is neutral and non-polar, at codon 417 of the MBD5 protein (p.Met417Ile). This variant is not present in population databases (gnomAD no frequency). This variant has not been reported in the literature in individuals affected with MBD5-related conditions.

NM_001378120.1(MBD5):c.1251G>C (p.Met417Ile)

Gene: MBD5 (methyl-CpG binding domain protein 5; plus strand). Cytogenetic location: 2q23.1.
Variant type: single nucleotide variant.
Coding change: c.1251G>C on transcript NM_001378120.1 (MANE Select); coding-DNA position 1251, G replaced by C.
Protein change: p.Met417Ile; replaces methionine 417 with isoleucine.
Molecular consequence: missense variant.
Genome position (GRCh38, 1-based): chr2:148,469,194, G>C. VCF-style: chr2-148469194-G-C. GRCh37 (hg19) VCF-style: chr2-149226763-G-C.
Other names: c.1251G>C, p.Met417Ile (NM_018328.5); short protein forms M417I.
Identifiers: ClinVar variation 1040419 (VCV001040419.7), dbSNP rs1559086508, ClinGen allele CA348719294.